The following is an entry in ClinVar:

ClinVar aggregate classification (germline): Conflicting classifications of pathogenicity. Review status: criteria provided, conflicting classifications (1 of 4 stars). 2 submissions from 2 submitters: Uncertain significance (1); Likely benign (1). Last evaluated 2025-06-23.

Allele frequency attached by ClinVar (database versions not stated): gnomAD exomes below 0.00001; ExAC 0.00001; gnomAD 0.00002; TOPMed 0.00003.
gnomAD v4.1: 7 of 1,609,264 alleles (0.00043%); highest among the groups gnomAD compares: African/African-American, 0.0067%; no homozygotes.

Submissions (2):

GeneDx
Classification: Uncertain significance. Last evaluated: 2025-06-23. Review status: criteria provided, single submitter. Criteria: GeneDx Variant Classification Process June 2021. Collection method: clinical testing. Allele origin: germline. Affected: yes.
Comment: Not observed at significant frequency in large population cohorts (gnomAD); In silico analysis suggests that this variant does not alter splicing; Has not been previously published as pathogenic or benign to our knowledge

Labcorp Genetics (formerly Invitae), Labcorp
Classification: Likely benign. Last evaluated: 2024-03-01. Review status: criteria provided, single submitter. Criteria: Invitae Variant Classification Sherloc (09022015). Collection method: clinical testing. Allele origin: germline.

NM_203486.3(DLL3):c.1638C>T (p.Asn546=)

Gene: DLL3 (delta like canonical Notch ligand 3; plus strand). Cytogenetic location: 19q13.2.
Variant type: single nucleotide variant.
Coding change: c.1638C>T on transcript NM_203486.3 (MANE Select); coding-DNA position 1638, C replaced by T.
Protein change: p.Asn546=; no amino-acid change (asparagine 546 retained).
Molecular consequence: synonymous variant.
Genome position (GRCh38, 1-based): chr19:39,507,583, C>T. VCF-style: chr19-39507583-C-T. GRCh37 (hg19) VCF-style: chr19-39998223-C-T.
Other names: c.1638C>T, p.Asn546= (NM_016941.4); c.1638C>T (NM_016941.3).
Identifiers: ClinVar variation 2872245 (VCV002872245.4), dbSNP rs761480287, ClinGen allele CA9432486.